The following is an entry in ClinVar:

NM_003995.4(NPR2):c.2572G>A (p.Asp858Asn)

Gene: NPR2 (natriuretic peptide receptor 2; plus strand). Cytogenetic location: 9p13.3.
Variant type: single nucleotide variant.
Coding change: c.2572G>A on transcript NM_003995.4 (MANE Select); coding-DNA position 2572, G replaced by A.
Protein change: p.Asp858Asn; replaces aspartic acid 858 with asparagine.
Molecular consequence: missense variant.
Genome position (GRCh38, 1-based): chr9:35,807,075, G>A. VCF-style: chr9-35807075-G-A. GRCh37 (hg19) VCF-style: chr9-35807072-G-A.
Other names: c.2581G>A, p.Asp861Asn (NM_001378923.1); c.2572G>A (NM_003995.3); short protein forms D861N, D858N.
Identifiers: ClinVar variation 1392359 (VCV001392359.9), dbSNP rs1477979334, ClinGen allele CA373381019.
Genomic context (GRCh38, chr9:35,807,075, plus strand): 5'-CTTCCTAGTTCAGTGGCAGAGCAGTTAAAACGGGGAGAGACTGTACAGGCTGAGGCCTTT[G>A]ACAGTGTTACCATCTACTTCAGTGACATTGTTGGCTTCACAGCATTGTCAGCAGAGAGCA-3'
Protein context (NP_003986.2, residues 848-868): RGETVQAEAF[Asp858Asn]SVTIYFSDIV

ClinVar aggregate classification (germline): Uncertain significance. Review status: criteria provided, multiple submitters, no conflicts (2 of 4 stars). 2 submissions from 2 submitters: Uncertain significance (2). Last evaluated 2025-06-11.

Conditions:
NPR2-related disorder. Also called: NPR2-related condition; NPR2-related disorders.
Tall stature-scoliosis-macrodactyly of the great toes syndrome. Also called: Epiphyseal chondrodysplasia, miura type. Identifiers: Orphanet 329191, MedGen C4014690, MONDO:0014401, OMIM 615923.
Acromesomelic dysplasia 1, Maroteaux type (AMD1). Also called: ST. HELENA DYSPLASIA; ACROMESOMELIC DYSPLASIA 1. Identifiers: Orphanet 40, MedGen C1864356, MONDO:0011275, OMIM 602875.

Allele frequency attached by ClinVar (database versions not stated): gnomAD exomes below 0.00001.
gnomAD v4.1: 2 of 1,610,706 alleles (0.00012%); highest among the groups gnomAD compares: Non-Finnish European, 0.00017%; no homozygotes.

Submissions (2):

PreventionGenetics, part of Exact Sciences
Classification: Uncertain significance for NPR2-related condition. Last evaluated: 2025-06-11. Review status: criteria provided, single submitter. Criteria: ACMG Guidelines, 2015. Collection method: clinical testing. Allele origin: germline.
Comment: The NPR2 c.2572G>A variant is predicted to result in the amino acid substitution p.Asp858Asn. To our knowledge, this variant has not been reported in the literature. This variant is reported in 0.00088% of alleles in individuals of European (Non-Finnish) descent in gnomAD. At this time, the clinical significance of this variant is uncertain due to the absence of conclusive functional and genetic evidence.

Labcorp Genetics (formerly Invitae), Labcorp
Classification: Uncertain significance for Tall stature-scoliosis-macrodactyly of the great toes syndrome; Acromesomelic dysplasia 1, Maroteaux type. Last evaluated: 2024-02-19. Review status: criteria provided, single submitter. Criteria: Invitae Variant Classification Sherloc (09022015). Collection method: clinical testing. Allele origin: germline.
Comment: This sequence change replaces aspartic acid, which is acidic and polar, with asparagine, which is neutral and polar, at codon 858 of the NPR2 protein (p.Asp858Asn). This variant is present in population databases (no rsID available, gnomAD 0.0009%). This variant has not been reported in the literature in individuals affected with NPR2-related conditions. ClinVar contains an entry for this variant (Variation ID: 1392359). Advanced modeling of protein sequence and biophysical properties (such as structural, functional, and spatial information, amino acid conservation, physicochemical variation, residue mobility, and thermodynamic stability) performed at Invitae indicates that this missense variant is not expected to disrupt NPR2 protein function with a negative predictive value of 80%. In summary, the available evidence is currently insufficient to determine the role of this variant in disease. Therefore, it has been classified as a Variant of Uncertain Significance.